The following is an entry in ClinVar:

ClinVar aggregate classification (germline): Uncertain significance. Review status: criteria provided, multiple submitters, no conflicts (2 of 4 stars). 3 submissions from 3 submitters: Uncertain significance (3). Last evaluated 2025-04-27.

Conditions:
Paget disease of bone 3. Identifiers: MedGen C4085252, MONDO:0008176, OMIM 167250.
Frontotemporal dementia and/or amyotrophic lateral sclerosis 1 (FTDALS1). Also called: C9orf72 Frontotemporal Dementia and/or Amyotrophic Lateral Sclerosis; Frontotemporal dementia with motor neuron disease 1. Identifiers: Orphanet 275872, MedGen C5779877, MONDO:0007105, OMIM 105550.
Paget disease of bone 2, early-onset (PDB2). Also called: Paget disease of bone 2. Identifiers: MedGen C4085251, MONDO:0011183, OMIM 602080.

Allele frequency attached by ClinVar (database versions not stated): gnomAD 0.00001 and 0.00002; ESP Exome Variant Server 0.00008; ExAC 0.00001; TOPMed 0.00005.
gnomAD v4.1: 10 of 1,613,924 alleles (0.00062%); highest among the groups gnomAD compares: African/African-American, 0.012%; no homozygotes.

Submissions (3):

Labcorp Genetics (formerly Invitae), Labcorp
Classification: Uncertain significance for Paget disease of bone 2, early-onset; Frontotemporal dementia and/or amyotrophic lateral sclerosis 1. Last evaluated: 2025-04-27. Review status: criteria provided, single submitter. Criteria: Invitae Variant Classification Sherloc (09022015). Collection method: clinical testing. Allele origin: germline.
Comment: This sequence change replaces serine, which is neutral and polar, with arginine, which is basic and polar, at codon 143 of the SQSTM1 protein (p.Ser143Arg). This variant is present in population databases (rs374417389, gnomAD 0.008%). This variant has not been reported in the literature in individuals affected with SQSTM1-related conditions. ClinVar contains an entry for this variant (Variation ID: 907325). Invitae Evidence Modeling of protein sequence and biophysical properties (such as structural, functional, and spatial information, amino acid conservation, physicochemical variation, residue mobility, and thermodynamic stability) indicates that this missense variant is not expected to disrupt SQSTM1 protein function with a negative predictive value of 80%. In summary, the available evidence is currently insufficient to determine the role of this variant in disease. Therefore, it has been classified as a Variant of Uncertain Significance.

Dasa
Classification: Uncertain significance. Last evaluated: 2024-06-19. Review status: criteria provided, single submitter. Criteria: DASA Assertion Criteria. Collection method: clinical testing. Allele origin: germline.
Comment: NM_003900.5(SQSTM1):c.429C>A (p.Ser143Arg) is a missense variant that results in the substitution of serine with arginine. This variant is absent from population databases. The currently available literature and clinical evidence are not sufficient to establish a definitive association between this variant and the reported condition. Therefore, this variant is classified as a variant of uncertain significance.

Illumina Laboratory Services, Illumina
Classification: Uncertain significance for Paget disease of bone 3. Last evaluated: 2017-04-28. Review status: criteria provided, single submitter. Criteria: ICSL Variant Classification Criteria 13 December 2019. Collection method: clinical testing. Allele origin: germline.

NM_003900.5(SQSTM1):c.429C>A (p.Ser143Arg)

Gene: SQSTM1 (sequestosome 1; plus strand). Cytogenetic location: 5q35.3.
Variant type: single nucleotide variant.
Coding change: c.429C>A on transcript NM_003900.5 (MANE Select); coding-DNA position 429, C replaced by A.
Protein change: p.Ser143Arg; replaces serine 143 with arginine.
Molecular consequence: missense variant.
Genome position (GRCh38, 1-based): chr5:179,823,985, C>A. VCF-style: chr5-179823985-C-A. GRCh37 (hg19) VCF-style: chr5-179250985-C-A.
Other names: c.177C>A, p.Ser59Arg (NM_001142298.2, NM_001142299.2); short protein forms S59R, S143R.
Identifiers: ClinVar variation 907325 (VCV000907325.12), dbSNP rs374417389, ClinGen allele CA3600506.
Genomic context (GRCh38, chr5:179,823,985, plus strand): 5'-CCCCAATGTGATCTGCGATGGCTGCAATGGGCCTGTGGTAGGAACCCGCTACAAGTGCAG[C>A]GTCTGCCCAGACTACGACTTGTGTAGCGTCTGCGAGGGAAAGGGCTTGCACCGGGGGCAC-3'
Protein context (NP_003891.1, residues 133-153): GPVVGTRYKC[Ser143Arg]VCPDYDLCSV